The following is an entry in ClinVar:

NM_004369.4(COL6A3):c.4443C>G (p.Ser1481Arg)

Gene: COL6A3 (collagen type VI alpha 3 chain; minus strand). Cytogenetic location: 2q37.3.
Variant type: single nucleotide variant.
Coding change: c.4443C>G on transcript NM_004369.4 (MANE Select); coding-DNA position 4443, C replaced by G.
Protein change: p.Ser1481Arg; replaces serine 1481 with arginine.
Molecular consequence: missense variant.
Genome position (GRCh38, 1-based): chr2:237,369,020, G>C on the plus strand (C>G on the coding strand, the complement: COL6A3 is on the minus strand). VCF-style: chr2-237369020-G-C. GRCh37 (hg19) VCF-style: chr2-238277663-G-C.
Other names: c.2622C>G, p.Ser874Arg (NM_057166.5); c.3825C>G, p.Ser1275Arg (NM_057167.4); short protein forms S874R, S1275R, S1481R.
Identifiers: ClinVar variation 1435030 (VCV001435030.9), dbSNP rs2106353172, ClinGen allele CA351193320.

ClinVar aggregate classification (germline): Uncertain significance (1 of 4 stars; one submission).

Conditions:
Bethlem myopathy 1A. Also called: MYOPATHY, BENIGN CONGENITAL, WITH CONTRACTURES; Bethlem Muscular Dystrophy; Bethlem myopathy 1. Identifiers: Orphanet 610, MedGen CN029274, MONDO:0024530, OMIM 158810.

Submission:

Labcorp Genetics (formerly Invitae), Labcorp
Classification: Uncertain significance for Bethlem myopathy 1A. Last evaluated: 2022-01-21. Review status: criteria provided, single submitter. Criteria: Invitae Variant Classification Sherloc (09022015). Collection method: clinical testing. Allele origin: germline.
Comment: Algorithms developed to predict the effect of missense changes on protein structure and function (SIFT, PolyPhen-2, Align-GVGD) all suggest that this variant is likely to be disruptive. This variant has not been reported in the literature in individuals affected with COL6A3-related conditions. This variant is not present in population databases (gnomAD no frequency). This sequence change replaces serine, which is neutral and polar, with arginine, which is basic and polar, at codon 1481 of the COL6A3 protein (p.Ser1481Arg). In summary, the available evidence is currently insufficient to determine the role of this variant in disease. Therefore, it has been classified as a Variant of Uncertain Significance.